The following is an entry in ClinVar:

NM_001909.5(CTSD):c.725G>T (p.Gly242Val)

Gene: CTSD (cathepsin D; minus strand). Cytogenetic location: 11p15.5.
Variant type: single nucleotide variant.
Coding change: c.725G>T on transcript NM_001909.5 (MANE Select); coding-DNA position 725, G replaced by T.
Protein change: p.Gly242Val; replaces glycine 242 with valine.
Molecular consequence: missense variant.
Genome position (GRCh38, 1-based): chr11:1,755,008, C>A on the plus strand (G>T on the coding strand, the complement: CTSD is on the minus strand). VCF-style: chr11-1755008-C-A. GRCh37 (hg19) VCF-style: chr11-1776238-C-A.
Other names: short protein forms G242V.
Identifiers: ClinVar variation 2101172 (VCV002101172.1), dbSNP rs1252953375, ClinGen allele CA379095454.
Genomic context (GRCh38, chr11:1,755,008, plus strand): 5'-AGGTAGGACAGAGAACCCTTGTAATACTTGGAGTCTGTGCCACCCAGCATCAGCTCACCC[C>A]CAGGCTGCGCATCTGGGTCCCTAGGAGGAAAAGGGAGGAGTCAGCTGCCACGCCACCCCC-3'
Protein context (NP_001900.1, residues 232-252): YLSRDPDAQP[Gly242Val]GELMLGGTDS

ClinVar aggregate classification (germline): Uncertain significance (1 of 4 stars; one submission).

Conditions:
Neuronal ceroid lipofuscinosis. Also called: Neuronal Ceroid Lipofuscinoses. Identifiers: Orphanet 216, Orphanet 79263, MedGen C0027877, MONDO:0016295. Disease mechanism: loss of function.

Submission:

Labcorp Genetics (formerly Invitae), Labcorp
Classification: Uncertain significance for Neuronal ceroid lipofuscinosis. Last evaluated: 2022-03-13. Review status: criteria provided, single submitter. Criteria: Invitae Variant Classification Sherloc (09022015). Collection method: clinical testing. Allele origin: germline.
Comment: This sequence change replaces glycine, which is neutral and non-polar, with valine, which is neutral and non-polar, at codon 242 of the CTSD protein (p.Gly242Val). This variant is not present in population databases (gnomAD no frequency). This variant has not been reported in the literature in individuals affected with CTSD-related conditions. Algorithms developed to predict the effect of missense changes on protein structure and function are either unavailable or do not agree on the potential impact of this missense change (SIFT: "Deleterious"; PolyPhen-2: "Probably Damaging"; Align-GVGD: "Class C0"). In summary, the available evidence is currently insufficient to determine the role of this variant in disease. Therefore, it has been classified as a Variant of Uncertain Significance.